The following is an entry in ClinVar:

ClinVar aggregate classification (germline): Uncertain significance. Review status: criteria provided, multiple submitters, no conflicts (2 of 4 stars). 4 submissions from 4 submitters: Uncertain significance (4). Last evaluated 2026-05-11.

Conditions:
Cardiovascular phenotype. Identifiers: MedGen CN230736.
ACTN2-related disorder. Also called: ACTN2-related disorders; ACTN2 related condition.
Dilated cardiomyopathy 1AA (CMD1AA). Also called: Cardiomyopathy, dilated, 1AA, with or without LVNC; CARDIOMYOPATHY, DILATED, 1AA, WITH OR WITHOUT LEFT VENTRICULAR NONCOMPACTION; CARDIOMYOPATHY, FAMILIAL HYPERTROPHIC, 23, WITH OR WITHOUT LEFT VENTRICULAR NONCOMPACTION. Identifiers: Orphanet 154, MedGen C2677338, MONDO:0012808, OMIM 612158.
Primary familial hypertrophic cardiomyopathy (HCM). Identifiers: Orphanet 99739, MedGen C0949658, MeSH D024741, MONDO:0024573. Inheritance: Various modes of inheritance.
Hypertrophic cardiomyopathy. Also called: HYPERTROPHIC MYOCARDIOPATHY. Identifiers: Orphanet 217569, MedGen C0007194, MeSH D002312, MONDO:0005045, HP:0001639.

Submissions (4):

PreventionGenetics, part of Exact Sciences
Classification: Uncertain significance for ACTN2-related condition. Last evaluated: 2026-05-11. Review status: criteria provided, single submitter. Criteria: ACMG Guidelines, 2015. Collection method: clinical testing. Allele origin: germline.
Comment: The ACTN2 c.253C>T variant is predicted to result in the amino acid substitution p.Pro85Ser. This variant has been reported in an individual with hypertrophic cardiomyopathy (Table S2, Robyns et al. 2020. PubMed ID: 31513939). This variant is absent in a large population database (gnomAD), indicating this variant is rare. At this time, the clinical significance of this variant is uncertain due to the absence of conclusive functional and genetic evidence.

Ambry Genetics
Classification: Uncertain significance for Cardiovascular phenotype. Last evaluated: 2022-05-23. Review status: criteria provided, single submitter. Criteria: Ambry Variant Classification Scheme 2023. Collection method: clinical testing. Allele origin: germline.
Comment: The p.P85S variant (also known as c.253C>T), located in coding exon 3 of the ACTN2 gene, results from a C to T substitution at nucleotide position 253. The proline at codon 85 is replaced by serine, an amino acid with similar properties. This alteration has been reported in a hypertrophic cardiomyopathy (HCM) cohort (Robyns T et al. Eur J Med Genet, 2020 Mar;63:103754). This amino acid position is well conserved in available vertebrate species; however, serine is the reference amino acid in other vertebrate species. In addition, the in silico prediction for this alteration is inconclusive. Since supporting evidence is limited at this time, the clinical significance of this alteration remains unclear.

Labcorp Genetics (formerly Invitae), Labcorp
Classification: Uncertain significance for Primary familial hypertrophic cardiomyopathy; Dilated cardiomyopathy 1AA. Last evaluated: 2022-05-09. Review status: criteria provided, single submitter. Criteria: Invitae Variant Classification Sherloc (09022015). Collection method: clinical testing. Allele origin: germline.
Comment: This sequence change replaces proline, which is neutral and non-polar, with serine, which is neutral and polar, at codon 85 of the ACTN2 protein (p.Pro85Ser). This variant is not present in population databases (gnomAD no frequency). This missense change has been observed in individual(s) with hypertrophic cardiomyopathy (PMID: 31513939). ClinVar contains an entry for this variant (Variation ID: 619267). Algorithms developed to predict the effect of missense changes on protein structure and function output the following: SIFT: "Deleterious"; PolyPhen-2: "Benign"; Align-GVGD: "Class C65". The serine amino acid residue is found in multiple mammalian species, which suggests that this missense change does not adversely affect protein function. In summary, the available evidence is currently insufficient to determine the role of this variant in disease. Therefore, it has been classified as a Variant of Uncertain Significance.

Center for Human Genetics, University of Leuven
Classification: Uncertain significance for Hypertrophic cardiomyopathy. Last evaluated: 2018-10-31. Review status: criteria provided, single submitter. Criteria: ACMG Guidelines, 2015. Collection method: clinical testing. Allele origin: germline. Affected: yes.

Literature cited by the submitters: PubMed 31513939 (cited by Ambry Genetics and Labcorp Genetics (formerly Invitae), Labcorp).

NM_001103.4(ACTN2):c.253C>T (p.Pro85Ser)

Gene: ACTN2 (actinin alpha 2; plus strand). Cytogenetic location: 1q43.
Variant type: single nucleotide variant.
Coding change: c.253C>T on transcript NM_001103.4 (MANE Select); coding-DNA position 253, C replaced by T.
Protein change: p.Pro85Ser; replaces proline 85 with serine.
Molecular consequence: missense variant. On other transcripts: 5 prime UTR variant (1).
Genome position (GRCh38, 1-based): chr1:236,718,905, C>T. VCF-style: chr1-236718905-C-T. GRCh37 (hg19) VCF-style: chr1-236882205-C-T.
Other names: c.253C>T, p.Pro85Ser (NM_001278343.2); c.-569C>T (NM_001278344.2); short protein forms P85S.
Identifiers: ClinVar variation 619267 (VCV000619267.9), dbSNP rs1558232396, ClinGen allele CA345373467.